The following is an entry in ClinVar:

NM_001352514.2(HLCS):c.1074G>A (p.Thr358=)

Gene: HLCS (holocarboxylase synthetase; minus strand). Cytogenetic location: 21q22.13.
Variant type: single nucleotide variant.
Coding change: c.1074G>A on transcript NM_001352514.2 (MANE Select); coding-DNA position 1074, G replaced by A.
Protein change: p.Thr358=; no amino-acid change (threonine 358 retained).
Molecular consequence: synonymous variant. On other transcripts: non-coding transcript variant (2).
Genome position (GRCh38, 1-based): chr21:36,936,812, C>T on the plus strand (G>A on the coding strand, the complement: HLCS is on the minus strand). VCF-style: chr21-36936812-C-T. GRCh37 (hg19) VCF-style: chr21-38309112-C-T.
Other names: c.633G>A, p.Thr211= (NM_000411.8, NM_001242784.3, NM_001242785.2 and 4 more transcripts).
Identifiers: ClinVar variation 459945 (VCV000459945.54), dbSNP rs116985497, ClinGen allele CA10020639.

ClinVar aggregate classification (germline): Conflicting classifications of pathogenicity. Review status: criteria provided, conflicting classifications (1 of 4 stars). 7 submissions from 7 submitters: Uncertain significance (1); Benign (2); Likely benign (2). 2 of the submissions do not count toward it. Last evaluated 2026-01-26.

Conditions:
HLCS-related disorder. Also called: HLCS-related condition.
Holocarboxylase synthetase deficiency. Also called: MULTIPLE CARBOXYLASE DEFICIENCY, EARLY ONSET. Identifiers: Orphanet 79242, MedGen C0268581, MONDO:0009666, OMIM 253270.

Allele frequency attached by ClinVar (database versions not stated): ESP Exome Variant Server 0.00215; ExAC 0.00221; gnomAD exomes 0.00229; gnomAD 0.00235 and 0.00245; TOPMed 0.00279; 1000 Genomes Project 30x 0.00281; 1000 Genomes Project 0.00300.
gnomAD v4.1: 5,177 of 1,614,166 alleles (0.32%); highest among the groups gnomAD compares: Non-Finnish European, 0.39%; 18 homozygotes.

Submissions (7):

Labcorp Genetics (formerly Invitae), Labcorp
Classification: Benign for Holocarboxylase synthetase deficiency. Last evaluated: 2026-01-26. Review status: criteria provided, single submitter. Criteria: Invitae Variant Classification Sherloc (09022015). Collection method: clinical testing. Allele origin: germline.

CeGaT Center for Human Genetics Tuebingen
Classification: Likely benign. Last evaluated: 2025-12-01. Review status: criteria provided, single submitter. Criteria: CeGaT Center For Human Genetics Tuebingen Variant Classification Criteria Version 2. Collection method: clinical testing. Allele origin: germline. Affected: yes. Observed: 5 variant alleles.
Comment: HLCS: BP4, BP7, BS2

Blueprint Genetics
Classification: Likely benign. Last evaluated: 2024-11-28. Review status: criteria provided, single submitter. Criteria: ACMG Guidelines, 2015. Collection method: clinical testing. Allele origin: germline.

Illumina Laboratory Services, Illumina
Classification: Uncertain significance for Holocarboxylase synthetase deficiency. Last evaluated: 2018-01-13. Review status: criteria provided, single submitter. Criteria: ICSL Variant Classification Criteria 13 December 2019. Collection method: clinical testing. Allele origin: germline.

GeneDx
Classification: Benign. Last evaluated: 2015-03-03. Review status: criteria provided, single submitter. Criteria: GeneDx Variant Classification Process June 2021. Collection method: clinical testing. Allele origin: germline. Affected: yes.

PreventionGenetics, part of Exact Sciences
Classification: Likely benign for HLCS-related condition. Last evaluated: 2024-03-05. Review status: no assertion criteria provided. Collection method: clinical testing. Allele origin: germline. Not counted in ClinVar's aggregate classification.
Comment: This variant is classified as likely benign based on ACMG/AMP sequence variant interpretation guidelines (Richards et al. 2015 PMID: 25741868, with internal and published modifications).

Natera, Inc.
Classification: Likely benign for Holocarboxylase synthetase deficiency. Last evaluated: 2019-12-04. Review status: no assertion criteria provided. Collection method: clinical testing. Allele origin: germline. Not counted in ClinVar's aggregate classification.